The following is an entry in ClinVar:

ClinVar aggregate classification (germline): Conflicting classifications of pathogenicity. Review status: criteria provided, conflicting classifications (1 of 4 stars). 2 submissions from 2 submitters: Likely pathogenic (1); Uncertain significance (1). Last evaluated 2024-03-01.

Conditions:
Nemaline myopathy 7 (NEM7). Also called: Nemaline myopathy 7, autosomal recessive. Identifiers: Orphanet 171436, MedGen C1853154, MONDO:0012538, OMIM 610687.
Centronuclear myopathy (CNM). Also called: Centronuclear myopathy, congenital; Myotubular myopathy. Identifiers: Orphanet 595, MedGen C0175709, MONDO:0018947. Inheritance: All.

Submissions (2):

Muscle and Diseases Team, Institut de Génétique et Biologie Moléculaire et Cellulaire
Classification: Likely pathogenic for Centronuclear myopathy. Last evaluated: 2024-03-01. Review status: criteria provided, single submitter. Criteria: ACMG Guidelines, 2015. Collection method: research. Allele origin: biparental. Affected: yes. Observed: 1 variant allele.
Comment: PM1+PM2+PP2+PP3+PP4

Labcorp Genetics (formerly Invitae), Labcorp
Classification: Uncertain significance for Nemaline myopathy 7. Last evaluated: 2022-07-06. Review status: criteria provided, single submitter. Criteria: Invitae Variant Classification Sherloc (09022015). Collection method: clinical testing. Allele origin: germline.
Comment: In summary, the available evidence is currently insufficient to determine the role of this variant in disease. Therefore, it has been classified as a Variant of Uncertain Significance. Algorithms developed to predict the effect of missense changes on protein structure and function (SIFT, PolyPhen-2, Align-GVGD) all suggest that this variant is likely to be disruptive. ClinVar contains an entry for this variant (Variation ID: 971564). This variant has not been reported in the literature in individuals affected with CFL2-related conditions. This variant is not present in population databases (gnomAD no frequency). This sequence change replaces arginine, which is basic and polar, with glutamine, which is neutral and polar, at codon 81 of the CFL2 protein (p.Arg81Gln).

Literature cited by the submitters: DOI 10.1186/s13073-024-01353-0 (cited by Muscle and Diseases Team, Institut de Génétique et Biologie Moléculaire et Cellulaire).

NM_138638.5(CFL2):c.242G>A (p.Arg81Gln)

Gene: CFL2 (cofilin 2; minus strand). Cytogenetic location: 14q13.1.
Variant type: single nucleotide variant.
Coding change: c.242G>A on transcript NM_138638.5 (MANE Select); coding-DNA position 242, G replaced by A.
Protein change: p.Arg81Gln; replaces arginine 81 with glutamine.
Molecular consequence: missense variant.
Genome position (GRCh38, 1-based): chr14:34,713,323, C>T on the plus strand (G>A on the coding strand, the complement: CFL2 is on the minus strand). VCF-style: chr14-34713323-C-T. GRCh37 (hg19) VCF-style: chr14-35182529-C-T.
Other names: c.191G>A, p.Arg64Gln (NM_001243645.2); c.242G>A, p.Arg81Gln (NM_021914.8); short protein forms R64Q, R81Q.
Identifiers: ClinVar variation 971564 (VCV000971564.12), dbSNP rs1885381246, ClinGen allele CA389421653.